The following is an entry in ClinVar:

NM_024408.4(NOTCH2):c.6486C>T (p.Ser2162=)

Gene: NOTCH2 (notch receptor 2; minus strand). Cytogenetic location: 1p12.
Variant type: single nucleotide variant.
Coding change: c.6486C>T on transcript NM_024408.4 (MANE Select); coding-DNA position 6486, C replaced by T.
Protein change: p.Ser2162=; no amino-acid change (serine 2162 retained).
Molecular consequence: synonymous variant.
Genome position (GRCh38, 1-based): chr1:119,916,236, G>A on the plus strand (C>T on the coding strand, the complement: NOTCH2 is on the minus strand). VCF-style: chr1-119916236-G-A. GRCh37 (hg19) VCF-style: chr1-120458859-G-A.
Identifiers: ClinVar variation 499623 (VCV000499623.28), dbSNP rs372865598, ClinGen allele CA1039418.

ClinVar aggregate classification (germline): Benign/Likely benign. Review status: criteria provided, multiple submitters, no conflicts (2 of 4 stars). 5 submissions from 5 submitters: Benign (2); Likely benign (3). Last evaluated 2026-02-01.

Conditions:
Alagille syndrome due to a NOTCH2 point mutation. Also called: Alagille syndrome 2. Identifiers: Orphanet 261629, Orphanet 52, MedGen C1857761, MONDO:0012439, OMIM 610205.
Hajdu-Cheney syndrome (HJCYS). Also called: Acroosteolysis dominant type; SERPENTINE FIBULA-POLYCYSTIC KIDNEY SYNDROME; ACROOSTEOLYSIS WITH OSTEOPOROSIS AND CHANGES IN SKULL AND MANDIBLE. Identifiers: Orphanet 955, MedGen C0917715, MONDO:0007057, OMIM 102500.

Allele frequency attached by ClinVar (database versions not stated): gnomAD exomes 0.00015 and 0.00041; gnomAD 0.00018 and 0.00019; TOPMed 0.00023; ExAC 0.00035.
gnomAD v4.1: 263 of 1,614,068 alleles (0.016%); highest among the groups gnomAD compares: Admixed American, 0.063%; 3 homozygotes.

Submissions (5):

Labcorp Genetics (formerly Invitae), Labcorp
Classification: Benign for Hajdu-Cheney syndrome. Last evaluated: 2026-02-01. Review status: criteria provided, single submitter. Criteria: Invitae Variant Classification Sherloc (09022015). Collection method: clinical testing. Allele origin: germline.

CeGaT Center for Human Genetics Tuebingen
Classification: Likely benign. Last evaluated: 2025-02-01. Review status: criteria provided, single submitter. Criteria: CeGaT Center For Human Genetics Tuebingen Variant Classification Criteria Version 2. Collection method: clinical testing. Allele origin: germline. Affected: yes. Observed: 1 variant allele.
Comment: NOTCH2: BP4, BP7

Blueprint Genetics
Classification: Benign. Last evaluated: 2024-09-12. Review status: criteria provided, single submitter. Criteria: ACMG Guidelines, 2015. Collection method: clinical testing. Allele origin: germline.

Fulgent Genetics
Classification: Likely benign for Hajdu-Cheney syndrome; Alagille syndrome due to a NOTCH2 point mutation. Last evaluated: 2021-11-12. Review status: criteria provided, single submitter. Criteria: ACMG Guidelines, 2015. Collection method: clinical testing. Allele origin: unknown.

Eurofins Ntd Llc (ga)
Classification: Likely benign. Last evaluated: 2017-01-04. Review status: criteria provided, single submitter. Criteria: EGL Classification Definitions 2015. Collection method: clinical testing. Allele origin: germline. Observed: 1 variant allele, 1 heterozygote.